The following is an entry in ClinVar:

ClinVar aggregate classification (germline): Pathogenic (1 of 4 stars; one submission).

Conditions:
Microphthalmia, isolated, with coloboma 3 (MCOPCB3). Also called: MICROPHTHALMIA/COLOBOMA 3; MICROPHTHALMIA, COLOBOMATOUS, 3. Identifiers: Orphanet 98938, MedGen C1864721, MONDO:0012408, OMIM 610092.

Submission:

Myriad Genetics, Inc.
Classification: Pathogenic for Microphthalmia, isolated, with coloboma 3. Last evaluated: 2023-09-27. Review status: criteria provided, single submitter. Criteria: Myriad Autosomal Dominant, Autosomal Recessive and X-Linked Classification Criteria (2023). Collection method: clinical testing. Allele origin: unknown.
Comment: NM_182894.2(VSX2):c.146dupC(R50Afs*77) is expected to be pathogenic in the context of microphthalmia, anophthalmia, and coloboma, VSX2-related. This variant is predicted to lead to an abnormal or absent protein product due to the creation of a premature termination codon in VSX2, a gene where loss-of-function variants are known to be pathogenic. Please note: this variant was assessed in the context of healthy population screening.

NM_182894.3(VSX2):c.146dup (p.Arg50fs)

Gene: VSX2 (visual system homeobox 2; plus strand). Cytogenetic location: 14q24.3.
Variant type: Duplication.
Coding change: c.146dup on transcript NM_182894.3 (MANE Select); coding-DNA position 146, one base duplicated (C; older notation c.146dupC).
Protein change: p.Arg50fs; shifts the reading frame from arginine 50.
Molecular consequence: frameshift variant.
Genome position (GRCh38, 1-based): chr14:74,239,707, C duplicated; the last of 3 consecutive C bases (chr14:74,239,705-74,239,707); duplicating any one gives the same sequence. VCF-style (leftmost placement, unchanged base first): chr14-74239704-A-AC. GRCh37 (hg19) VCF-style: chr14-74706407-A-AC.
Other names: short protein forms R50fs.
Identifiers: ClinVar variation 5011760 (VCV005011760.1).